The following is an entry in ClinVar:

ClinVar aggregate classification (germline): Conflicting classifications of pathogenicity. Review status: criteria provided, conflicting classifications (1 of 4 stars). 2 submissions from 2 submitters: Pathogenic (1); Uncertain significance (1). Last evaluated 2025-07-22.

Conditions:
Long QT syndrome (LQTS). Identifiers: MedGen C0023976, MeSH D008133, MONDO:0002442. Disease mechanism: loss of function. Inheritance: Various modes of inheritance.
Long QT syndrome 2 (LQT2). Identifiers: Orphanet 101016, Orphanet 768, MedGen C3150943, MONDO:0013367, OMIM 613688.

Submissions (2):

Human Genetics Bochum, Ruhr University Bochum
Classification: Pathogenic for Long QT syndrome 2. Last evaluated: 2025-07-22. Review status: criteria provided, single submitter. Criteria: ACMG Guidelines, 2015. Collection method: clinical testing. Allele origin: germline. Affected: yes.
Comment: ACMG criteria used to clasify this variant: PP3_STR, PM1, PM5, PM2_SUP, PP2

Molecular Diagnostic Laboratory for Inherited Cardiovascular Disease, Montreal Heart Institute
Classification: Uncertain significance for Congenital long QT syndrome. Last evaluated: 2016-08-31. Review status: criteria provided, single submitter. Criteria: ACMG Guidelines, 2015. Collection method: clinical testing. Allele origin: germline. Affected: yes.

NM_000238.4(KCNH2):c.1703G>C (p.Trp568Ser)

Gene: KCNH2 (potassium voltage-gated channel subfamily H member 2; minus strand). Cytogenetic location: 7q36.1.
Variant type: single nucleotide variant.
Coding change: c.1703G>C on transcript NM_000238.4 (MANE Select); coding-DNA position 1703, G replaced by C.
Protein change: p.Trp568Ser; replaces tryptophan 568 with serine.
Molecular consequence: missense variant.
Genome position (GRCh38, 1-based): chr7:150,951,690, C>G on the plus strand (G>C on the coding strand, the complement: KCNH2 is on the minus strand). VCF-style: chr7-150951690-C-G. GRCh37 (hg19) VCF-style: chr7-150648778-C-G.
Other names: c.683G>C, p.Trp228Ser (NM_001204798.2, NM_172057.3); c.1415G>C, p.Trp472Ser (NM_001406753.1, NM_001406756.1); c.1526G>C, p.Trp509Ser (NM_001406755.1); c.1403G>C, p.Trp468Ser (NM_001406757.1); c.1703G>C, p.Trp568Ser (NM_172056.3); short protein forms W228S, W568S, W468S, W472S, W509S.
Identifiers: ClinVar variation 520444 (VCV000520444.5), dbSNP rs1554425880, ClinGen allele CA369858724.